The following is an entry in ClinVar:

NM_003922.4(HERC1):c.8324-6G>C

Gene: HERC1 (HECT and RLD domain containing E3 ubiquitin protein ligase family member 1; minus strand). Cytogenetic location: 15q22.31.
Variant type: single nucleotide variant.
Coding change: c.8324-6G>C on transcript NM_003922.4 (MANE Select); 6 bases into the intron before coding-DNA position 8324, G replaced by C.
Molecular consequence: intron variant.
Genome position (GRCh38, 1-based): chr15:63,666,156, C>G on the plus strand (G>C on the coding strand, the complement: HERC1 is on the minus strand). VCF-style: chr15-63666156-C-G. GRCh37 (hg19) VCF-style: chr15-63958355-C-G.
Identifiers: ClinVar variation 745774 (VCV000745774.9), dbSNP rs772572130, ClinGen allele CA7604968.

ClinVar aggregate classification (germline): Likely benign. Review status: criteria provided, single submitter (1 of 4 stars). 2 submissions from 2 submitters: Likely benign (1). 1 of the submissions does not count toward it. Last evaluated 2026-01-07.

Conditions:
HERC1-related disorder. Also called: HERC1-related condition.

Allele frequency attached by ClinVar (database versions not stated): gnomAD exomes 0.00004 and 0.00019; gnomAD 0.00005; TOPMed 0.00012; ExAC 0.00019.
gnomAD v4.1: 59 of 1,600,980 alleles (0.0037%); highest among the groups gnomAD compares: Admixed American, 0.1%; no homozygotes.

Submissions (2):

Labcorp Genetics (formerly Invitae), Labcorp
Classification: Likely benign. Last evaluated: 2026-01-07. Review status: criteria provided, single submitter. Criteria: Invitae Variant Classification Sherloc (09022015). Collection method: clinical testing. Allele origin: germline.

PreventionGenetics, part of Exact Sciences
Classification: Likely benign for HERC1-related condition. Last evaluated: 2020-01-22. Review status: no assertion criteria provided. Collection method: clinical testing. Allele origin: germline. Not counted in ClinVar's aggregate classification.
Comment: This variant is classified as likely benign based on ACMG/AMP sequence variant interpretation guidelines (Richards et al. 2015 PMID: 25741868, with internal and published modifications).